The following is an entry in ClinVar:

NM_015375.3(DSTYK):c.2597G>A (p.Arg866Gln)

Gene: DSTYK (dual serine/threonine and tyrosine protein kinase; minus strand). Cytogenetic location: 1q32.1.
Variant type: single nucleotide variant.
Coding change: c.2597G>A on transcript NM_015375.3 (MANE Select); coding-DNA position 2597, G replaced by A.
Protein change: p.Arg866Gln; replaces arginine 866 with glutamine.
Molecular consequence: missense variant. On other transcripts: intron variant (1).
Genome position (GRCh38, 1-based): chr1:205,148,210, C>T on the plus strand (G>A on the coding strand, the complement: DSTYK is on the minus strand). VCF-style: chr1-205148210-C-T. GRCh37 (hg19) VCF-style: chr1-205117338-C-T.
Other names: c.2468-465G>A (NM_199462.3); short protein forms R866Q.
Identifiers: ClinVar variation 3622403 (VCV003622403.2).

ClinVar aggregate classification (germline): Uncertain significance (1 of 4 stars; one submission).

gnomAD v4.1: 8 of 1,613,964 alleles (0.0005%); highest among the groups gnomAD compares: Admixed American, 0.005%; no homozygotes.

Submission:

Labcorp Genetics (formerly Invitae), Labcorp
Classification: Uncertain significance. Last evaluated: 2025-01-07. Review status: criteria provided, single submitter. Criteria: Invitae Variant Classification Sherloc (09022015). Collection method: clinical testing. Allele origin: germline.
Comment: This sequence change replaces arginine, which is basic and polar, with glutamine, which is neutral and polar, at codon 866 of the DSTYK protein (p.Arg866Gln). This variant is present in population databases (rs756492023, gnomAD 0.009%). This variant has not been reported in the literature in individuals affected with DSTYK-related conditions. An algorithm developed to predict the effect of missense changes on protein structure and function (PolyPhen-2) suggests that this variant is likely to be disruptive. In summary, the available evidence is currently insufficient to determine the role of this variant in disease. Therefore, it has been classified as a Variant of Uncertain Significance.